The following is an entry in ClinVar:

ClinVar aggregate classification (germline): Uncertain significance (1 of 4 stars; one submission).

Conditions:
Early-onset myopathy with fatal cardiomyopathy (CMYO5). Also called: Salih Myopathy; CONGENITAL MYOPATHY 5 WITH CARDIOMYOPATHY. Identifiers: Orphanet 289377, MedGen C2673677, MONDO:0012714, OMIM 611705. Disease mechanism: loss of function.
Autosomal recessive limb-girdle muscular dystrophy type 2J (LGMDR10). Also called: Limb-girdle muscular dystrophy, type 2J; MUSCULAR DYSTROPHY, LIMB-GIRDLE, AUTOSOMAL RECESSIVE 10. Identifiers: Orphanet 140922, MedGen C1837342, MONDO:0012127, OMIM 608807.
Tibial muscular dystrophy (TMD). Also called: UDD MYOPATHY; Tibial muscular dystrophy, tardive; Udd Distal Myopathy – Tibial Muscular Dystrophy. Identifiers: Orphanet 609, MedGen C1838244, MONDO:0010870, OMIM 600334.
Myopathy, myofibrillar, 9, with early respiratory failure (MFM9). Also called: Hereditary myopathy with early respiratory failure; EDSTROM MYOPATHY; MYOPATHY, PROXIMAL, WITH EARLY RESPIRATORY MUSCLE INVOLVEMENT; Myopathy, distal, with early respiratory failure, autosomal dominant. Identifiers: Orphanet 178464, Orphanet 34521, MedGen C1863599, MONDO:0011362, OMIM 603689.

Submission:

Diagnostics Services (NGS), CSIR - Centre For Cellular And Molecular Biology
Classification: Uncertain significance for Myopathy, myofibrillar, 9, with early respiratory failure; Tibial muscular dystrophy; Autosomal recessive limb-girdle muscular dystrophy type 2J; Early-onset myopathy with fatal cardiomyopathy. Last evaluated: 2026-09-16. Review status: criteria provided, single submitter. Criteria: ACMG Guidelines, 2015. Collection method: clinical testing. Allele origin: germline. Observed: 1 variant allele, 1 heterozygote.
Comment: The c.87004_87006del variant is not present in 1000 Genomes, EVS, gnomAD, Indian Exome Database, GenomeIndia database or in our internal database. This variant has neither been published in the literature for TTN-related conditions nor reported to clinical databases like HGMD, ClinVar or OMIM, in any affected individuals. In-silico pathogenicity prediction programs like MutationTaster2, CADD, etc predicted this variant to be likely deleterious. This variant is present in a non-repeat region of the gene which causes deletion of a single amino acid that changes the protein length.

NM_001267550.2(TTN):c.87001GTT[1] (p.Val29002del)

Genes: TTN (titin; minus strand), TTN-AS1 (TTN antisense RNA 1; plus strand). Cytogenetic location: 2q31.2.
Variant type: Microsatellite.
Coding change: c.87001GTT[1] on transcript NM_001267550.2 (MANE Select); one copy of the 3-base unit GTT starting at c.87001; the reference has two copies in a row; one copy, 3 bases deleted; also written c.87004_87006del.
Protein change: p.Val29002del; deletes valine 29002.
Molecular consequence: inframe deletion.
Genome position (GRCh38, 1-based): chr2:178,558,453-178,558,455, AAC deleted on the plus strand (GTT on the coding strand, the reverse complement: TTN is on the minus strand); deleting any 3 consecutive bases within chr2:178,558,453-178,558,458 gives the same sequence; the position shown is the placement nearest the transcript's 3' end. VCF-style (leftmost placement, unchanged base first): chr2-178558452-AAAC-A. GRCh37 (hg19) VCF-style: chr2-179423179-AAAC-A.
Other names: c.82078GTT[1], p.Val27361del (NM_001256850.1); c.59806GTT[1], p.Val19937del (NM_003319.4); c.79297GTT[1], p.Val26434del (NM_133378.4); c.60181GTT[1], p.Val20062del (NM_133432.3); c.60382GTT[1], p.Val20129del (NM_133437.4); c.87004_87006del (NM_001267550.2); short protein forms V19937del, V20062del, V20129del, V26434del, V27361del, V29002del.
Identifiers: ClinVar variation 4974989 (VCV004974989.1).